The following is an entry in ClinVar:

ClinVar aggregate classification (germline): Uncertain significance (1 of 4 stars; one submission).

Conditions:
Adenylosuccinate lyase deficiency (ADSLD). Also called: ADSL DEFICIENCY. Identifiers: Orphanet 46, MedGen C0268126, MONDO:0007068, OMIM 103050.

Allele frequency attached by ClinVar (database versions not stated): gnomAD exomes below 0.00001; TOPMed below 0.00001; gnomAD 0.00001.
gnomAD v4.1: 3 of 1,613,080 alleles (0.00019%); highest among the groups gnomAD compares: Non-Finnish European, 0.00025%; no homozygotes.

Submission:

Labcorp Genetics (formerly Invitae), Labcorp
Classification: Uncertain significance for Adenylosuccinate lyase deficiency. Last evaluated: 2024-10-28. Review status: criteria provided, single submitter. Criteria: Invitae Variant Classification Sherloc (09022015). Collection method: clinical testing. Allele origin: germline.
Comment: This sequence change falls in intron 2 of the ADSL gene. It does not directly change the encoded amino acid sequence of the ADSL protein. It affects a nucleotide within the consensus splice site. This variant is not present in population databases (gnomAD no frequency). This variant has not been reported in the literature in individuals affected with ADSL-related conditions. ClinVar contains an entry for this variant (Variation ID: 1036538). Variants that disrupt the consensus splice site are a relatively common cause of aberrant splicing (PMID: 17576681, 9536098). Algorithms developed to predict the effect of sequence changes on RNA splicing suggest that this variant is not likely to affect RNA splicing. In summary, the available evidence is currently insufficient to determine the role of this variant in disease. Therefore, it has been classified as a Variant of Uncertain Significance.

Literature cited by the submitters: PubMed 17576681; PubMed 9536098.

NM_000026.4(ADSL):c.357+4G>A

Gene: ADSL (adenylosuccinate lyase; plus strand). Cytogenetic location: 22q13.1.
Variant type: single nucleotide variant.
Coding change: c.357+4G>A on transcript NM_000026.4 (MANE Select); 4 bases into the intron after coding-DNA position 357, G replaced by A.
Molecular consequence: intron variant.
Genome position (GRCh38, 1-based): chr22:40,350,039, G>A. VCF-style: chr22-40350039-G-A. GRCh37 (hg19) VCF-style: chr22-40746043-G-A.
Other names: c.357+4G>A (NM_001363840.3, NM_001123378.3); c.165+4G>A (NM_001317923.2).
Identifiers: ClinVar variation 1036538 (VCV001036538.6), dbSNP rs1230823834, ClinGen allele CA753182271.